The following is an entry in ClinVar:

ClinVar aggregate classification (germline): Uncertain significance (1 of 4 stars; one submission).

gnomAD v4.1: 1 of 1,613,822 alleles (0.000062%); highest among the groups gnomAD compares: Non-Finnish European, 0.000085%; no homozygotes.

Submission:

GeneDx
Classification: Uncertain significance. Last evaluated: 2024-05-03. Review status: criteria provided, single submitter. Criteria: GeneDx Variant Classification Process June 2021. Collection method: clinical testing. Allele origin: germline. Affected: yes.
Comment: Not observed at significant frequency in large population cohorts (gnomAD); In silico analysis supports that this missense variant has a deleterious effect on protein structure/function; Has not been previously published as pathogenic or benign to our knowledge

NM_020134.4(DPYSL5):c.628A>T (p.Ile210Phe)

Gene: DPYSL5 (dihydropyrimidinase like 5; plus strand). Cytogenetic location: 2p23.3.
Variant type: single nucleotide variant.
Coding change: c.628A>T on transcript NM_020134.4 (MANE Select); coding-DNA position 628, A replaced by T.
Protein change: p.Ile210Phe; replaces isoleucine 210 with phenylalanine.
Molecular consequence: missense variant.
Genome position (GRCh38, 1-based): chr2:26,928,282, A>T. VCF-style: chr2-26928282-A-T. GRCh37 (hg19) VCF-style: chr2-27151150-A-T.
Other names: c.628A>T, p.Ile210Phe (NM_001253723.2, NM_001253724.2); short protein forms I210F.
Identifiers: ClinVar variation 3373357 (VCV003373357.1).